The following is an entry in ClinVar:

ClinVar aggregate classification (germline): Benign/Likely benign. Review status: criteria provided, multiple submitters, no conflicts (2 of 4 stars). 11 submissions from 11 submitters: Benign (6); Likely benign (1). 4 of the submissions do not count toward it. Last evaluated 2026-02-04.

Conditions:
Autosomal recessive ataxia due to ubiquinone deficiency. Also called: SPINOCEREBELLAR ATAXIA, AUTOSOMAL RECESSIVE 9; Coenzyme Q10 deficiency, primary, 4. Identifiers: Orphanet 139485, MedGen C2677589, MONDO:0012784, OMIM 612016.

Allele frequency attached by ClinVar (database versions not stated): 1000 Genomes Project 0.35164; 1000 Genomes Project 30x 0.35837; gnomAD exomes 0.41043 and 0.47296; ExAC 0.41547; gnomAD 0.44114 and 0.45219; TOPMed 0.44237; ESP Exome Variant Server 0.47570.
gnomAD v4.1: 756,205 of 1,610,268 alleles (47%); highest among the groups gnomAD compares: Non-Finnish European, 51%; 183,384 homozygotes.

Submissions (11):

Labcorp Genetics (formerly Invitae), Labcorp
Classification: Benign. Last evaluated: 2026-02-04. Review status: criteria provided, single submitter. Criteria: Invitae Variant Classification Sherloc (09022015). Collection method: clinical testing. Allele origin: germline.

Blueprint Genetics
Classification: Likely benign. Last evaluated: 2024-11-26. Review status: criteria provided, single submitter. Criteria: ACMG Guidelines, 2015. Collection method: clinical testing. Allele origin: germline.

Genome-Nilou Lab
Classification: Benign for Autosomal recessive ataxia due to ubiquinone deficiency. Last evaluated: 2021-07-14. Review status: criteria provided, single submitter. Criteria: ACMG Guidelines, 2015. Collection method: clinical testing. Allele origin: germline. Affected: no.

Illumina Laboratory Services, Illumina
Classification: Benign for Autosomal recessive ataxia due to ubiquinone deficiency. Last evaluated: 2018-01-12. Review status: criteria provided, single submitter. Criteria: ICSL Variant Classification Criteria 13 December 2019. Collection method: clinical testing. Allele origin: germline.
Comment: This variant was observed in the ICSL laboratory as part of a predisposition screen in an ostensibly healthy population. It had not been previously curated by ICSL or reported in the Human Gene Mutation Database (HGMD: prior to June 1st, 2018), and was therefore a candidate for classification through an automated scoring system. Utilizing variant allele frequency, disease prevalence and penetrance estimates, and inheritance mode, an automated score was calculated to assess if this variant is too frequent to cause the disease. Based on the score and internal cut-off values, a variant classified as benign is not then subjected to further curation. The score for this variant resulted in a classification of benign for this disease.

Clinical Genetics DNA and cytogenetics Diagnostics Lab, Erasmus MC, Erasmus Medical Center
Classification: Benign for Autosomal recessive ataxia due to ubiquinone deficiency. Last evaluated: 2015-09-21. Review status: criteria provided, single submitter. Criteria: ACGS Guidelines, 2013. Collection method: clinical testing. Allele origin: germline. Affected: yes. Study: VKGL Data-share Consensus.

GeneDx
Classification: Benign. Last evaluated: 2015-03-03. Review status: criteria provided, single submitter. Criteria: GeneDx Variant Classification Process June 2021. Collection method: clinical testing. Allele origin: germline. Affected: yes.

Breakthrough Genomics
Classification: Benign. Review status: criteria provided, single submitter. Criteria: ACMG Guidelines, 2015. Collection method: not provided. Allele origin: germline. Inheritance: Autosomal recessive inheritance. Affected: yes.

Mayo Clinic Laboratories, Mayo Clinic
Classification: Benign. Last evaluated: 2016-02-11. Review status: no assertion criteria provided. Collection method: clinical testing. Allele origin: unknown. Not counted in ClinVar's aggregate classification.

Clinical Genetics, Academic Medical Center
Classification: Benign. Review status: no assertion criteria provided. Collection method: clinical testing. Allele origin: germline. Affected: yes. Study: VKGL Data-share Consensus. Not counted in ClinVar's aggregate classification.

Diagnostic Laboratory, Department of Genetics, University Medical Center Groningen
Classification: Benign for Autosomal recessive ataxia due to ubiquinone deficiency. Review status: no assertion criteria provided. Collection method: clinical testing. Allele origin: germline. Affected: yes. Study: VKGL Data-share Consensus. Not counted in ClinVar's aggregate classification.

Joint Genome Diagnostic Labs from Nijmegen and Maastricht, Radboudumc and MUMC+
Classification: Benign. Review status: no assertion criteria provided. Collection method: clinical testing. Allele origin: germline. Affected: yes. Study: VKGL Data-share Consensus. Not counted in ClinVar's aggregate classification.

NM_020247.5(COQ8A):c.1660-9T>C

Gene: COQ8A (coenzyme Q8A; plus strand). Cytogenetic location: 1q42.13.
Variant type: single nucleotide variant.
Coding change: c.1660-9T>C on transcript NM_020247.5 (MANE Select); 9 bases into the intron before coding-DNA position 1660, T replaced by C.
Molecular consequence: intron variant.
Genome position (GRCh38, 1-based): chr1:226,986,444, T>C. VCF-style: chr1-226986444-T-C. GRCh37 (hg19) VCF-style: chr1-227174145-T-C.
Identifiers: ClinVar variation 296024 (VCV000296024.29), dbSNP rs7552783, ClinGen allele CA1425627.